The following is an entry in ClinVar:

ClinVar aggregate classification (germline): Likely benign (0 of 4 stars; one submission).

Conditions:
GLI3-related disorder. Also called: GLI3-related condition; GLI3-related disorders. Identifiers: MedGen CN239292.

gnomAD v4.1: 3 of 1,613,880 alleles (0.00019%); highest among the groups gnomAD compares: African/African-American, 0.0013%; no homozygotes.

Submission:

PreventionGenetics, part of Exact Sciences
Classification: Likely benign for GLI3-related condition. Last evaluated: 2024-03-20. Review status: no assertion criteria provided. Collection method: clinical testing. Allele origin: germline.
Comment: This variant is classified as likely benign based on ACMG/AMP sequence variant interpretation guidelines (Richards et al. 2015 PMID: 25741868, with internal and published modifications).

NM_000168.6(GLI3):c.4659C>T (p.Ser1553=)

Gene: GLI3 (GLI family zinc finger 3; minus strand). Cytogenetic location: 7p14.1.
Variant type: single nucleotide variant.
Coding change: c.4659C>T on transcript NM_000168.6 (MANE Select); coding-DNA position 4659, C replaced by T.
Protein change: p.Ser1553=; no amino-acid change (serine 1553 retained).
Molecular consequence: synonymous variant.
Genome position (GRCh38, 1-based): chr7:41,964,414, G>A on the plus strand (C>T on the coding strand, the complement: GLI3 is on the minus strand). VCF-style: chr7-41964414-G-A. GRCh37 (hg19) VCF-style: chr7-42004012-G-A.
Identifiers: ClinVar variation 3350188 (VCV003350188.1).
Genomic context (GRCh38, chr7:41,964,414, plus strand): 5'-GCTTTCTTCCGCTAGGGAGGTCAGCAAAGAACTCATGTCCCCGATAGCCATGTTGGTGGT[G>A]CTCATGGACAGCGCTGGGAATGGGAGGGACGCCCGAGGCGTGGTGAGGCGGGAGGAGCTA-3'
Protein context (NP_000159.3, residues 1543-1563): ASLPFPALSM[Ser1553=]TTNMAIGDMS